The following is an entry in ClinVar:

NM_015294.6(TRIM37):c.164+1G>A

Gene: TRIM37 (tripartite motif containing 37; minus strand). Cytogenetic location: 17q22.
Variant type: single nucleotide variant.
Coding change: c.164+1G>A on transcript NM_015294.6 (MANE Select); the canonical splice donor site of the intron after coding-DNA position 164, G replaced by A.
Molecular consequence: splice donor variant.
Genome position (GRCh38, 1-based): chr17:59,091,299, C>T on the plus strand (G>A on the coding strand, the complement: TRIM37 is on the minus strand). VCF-style: chr17-59091299-C-T. GRCh37 (hg19) VCF-style: chr17-57168660-C-T.
Other names: c.-211+1G>A (NM_001353085.2); c.62+1G>A (NM_001320987.3, NM_001353082.2); c.164+1G>A (NM_001353086.2, NM_001320988.3, NM_001353084.2 and 2 more transcripts); c.-589+1G>A (NM_001353083.2); c.-279+1G>A (NM_001320990.3).
Identifiers: ClinVar variation 3002737 (VCV003002737.3), dbSNP rs2546268710, ClinGen allele CA400396533.
Genomic context (GRCh38, chr17:59,091,299, plus strand): 5'-CAAGGCACATTCTGATCTTACTATTTTCAAAATTCACAAATAATCGTAAGGAAACACTTA[C>T]CGGCAATGAGGACATTGAGCTCTCTGCTCTGTCAGCCAGCGCTAAGGGGGCAAAAGATTA-3'

ClinVar aggregate classification (germline): Likely pathogenic (1 of 4 stars; one submission).

Submission:

Labcorp Genetics (formerly Invitae), Labcorp
Classification: Likely pathogenic. Last evaluated: 2023-09-14. Review status: criteria provided, single submitter. Criteria: Invitae Variant Classification Sherloc (09022015). Collection method: clinical testing. Allele origin: germline.
Comment: In summary, the currently available evidence indicates that the variant is pathogenic, but additional data are needed to prove that conclusively. Therefore, this variant has been classified as Likely Pathogenic. Algorithms developed to predict the effect of sequence changes on RNA splicing suggest that this variant may disrupt the consensus splice site. This variant has not been reported in the literature in individuals affected with TRIM37-related conditions. This variant is not present in population databases (gnomAD no frequency). This sequence change affects a donor splice site in intron 3 of the TRIM37 gene. It is expected to disrupt RNA splicing. Variants that disrupt the donor or acceptor splice site typically lead to a loss of protein function (PMID: 16199547), and loss-of-function variants in TRIM37 are known to be pathogenic (PMID: 10888877, 15108285).

Literature cited by the submitters: PubMed 16199547; PubMed 10888877; PubMed 15108285.